The following is an entry in ClinVar:

ClinVar aggregate classification (germline): Uncertain significance. Review status: criteria provided, multiple submitters, no conflicts (2 of 4 stars). 2 submissions from 2 submitters: Uncertain significance (2). Last evaluated 2023-10-09.

Submissions (2):

Labcorp Genetics (formerly Invitae), Labcorp
Classification: Uncertain significance. Last evaluated: 2023-10-09. Review status: criteria provided, single submitter. Criteria: Invitae Variant Classification Sherloc (09022015). Collection method: clinical testing. Allele origin: germline.
Comment: This sequence change replaces proline, which is neutral and non-polar, with leucine, which is neutral and non-polar, at codon 340 of the COL11A2 protein (p.Pro340Leu). This variant is not present in population databases (gnomAD no frequency). This variant has not been reported in the literature in individuals affected with COL11A2-related conditions. Advanced modeling of protein sequence and biophysical properties (such as structural, functional, and spatial information, amino acid conservation, physicochemical variation, residue mobility, and thermodynamic stability) performed at Invitae indicates that this missense variant is not expected to disrupt COL11A2 protein function. In summary, the available evidence is currently insufficient to determine the role of this variant in disease. Therefore, it has been classified as a Variant of Uncertain Significance.

Blueprint Genetics
Classification: Uncertain significance. Last evaluated: 2020-03-11. Review status: criteria provided, single submitter. Criteria: ACMG Guidelines, 2015. Collection method: clinical testing. Allele origin: germline.

NM_080680.3(COL11A2):c.1019C>T (p.Pro340Leu)

Gene: COL11A2 (collagen type XI alpha 2 chain; minus strand). Cytogenetic location: 6p21.32.
Variant type: single nucleotide variant.
Coding change: c.1019C>T on transcript NM_080680.3 (MANE Select); coding-DNA position 1019, C replaced by T.
Protein change: p.Pro340Leu; replaces proline 340 with leucine.
Molecular consequence: missense variant. On other transcripts: intron variant (5).
Genome position (GRCh38, 1-based): chr6:33,184,245, G>A on the plus strand (C>T on the coding strand, the complement: COL11A2 is on the minus strand). VCF-style: chr6-33184245-G-A. GRCh37 (hg19) VCF-style: chr6-33152022-G-A.
Other names: c.173C>T, p.Pro58Leu (NM_001424109.1); c.93+747C>T (NM_001424111.1, NM_001424110.1); c.798+2382C>T (NM_080679.3); c.861+747C>T (NM_080681.3); c.939+747C>T (NM_001424108.1); short protein forms P58L, P340L.
Identifiers: ClinVar variation 2767305 (VCV002767305.4), dbSNP rs760905455, ClinGen allele CA363608715.